The following is an entry in ClinVar:

ClinVar aggregate classification (germline): Uncertain significance (1 of 4 stars; one submission).

gnomAD v4.1: 11 of 1,614,240 alleles (0.00068%); highest among the groups gnomAD compares: Non-Finnish European, 0.00093%; no homozygotes.

Submission:

Labcorp Genetics (formerly Invitae), Labcorp
Classification: Uncertain significance. Last evaluated: 2025-02-17. Review status: criteria provided, single submitter. Criteria: Invitae Variant Classification Sherloc (09022015). Collection method: clinical testing. Allele origin: germline.
Comment: This sequence change replaces valine, which is neutral and non-polar, with methionine, which is neutral and non-polar, at codon 680 of the ARHGEF10 protein (p.Val680Met). This variant is present in population databases (no rsID available, gnomAD 0.0009%). This variant has not been reported in the literature in individuals affected with ARHGEF10-related conditions. Invitae Evidence Modeling of protein sequence and biophysical properties (such as structural, functional, and spatial information, amino acid conservation, physicochemical variation, residue mobility, and thermodynamic stability) has been performed for this missense variant. However, the output from this modeling did not meet the statistical confidence thresholds required to predict the impact of this variant on ARHGEF10 protein function. In summary, the available evidence is currently insufficient to determine the role of this variant in disease. Therefore, it has been classified as a Variant of Uncertain Significance.

NM_014629.4(ARHGEF10):c.2038G>A (p.Val680Met)

Gene: ARHGEF10 (Rho guanine nucleotide exchange factor 10; plus strand). Cytogenetic location: 8p23.3.
Variant type: single nucleotide variant.
Coding change: c.2038G>A on transcript NM_014629.4 (MANE Select); coding-DNA position 2038, G replaced by A.
Protein change: p.Val680Met; replaces valine 680 with methionine.
Molecular consequence: missense variant.
Genome position (GRCh38, 1-based): chr8:1,909,365, G>A. VCF-style: chr8-1909365-G-A. GRCh37 (hg19) VCF-style: chr8-1857531-G-A.
Other names: c.1924G>A, p.Val642Met (NM_001308152.2, NM_001438094.1); c.2038G>A, p.Val680Met (NM_001308153.3); c.2041G>A, p.Val681Met (NM_001438091.1); c.1921G>A, p.Val641Met (NM_001438092.1, NM_001438093.1); short protein forms V641M, V642M, V681M, V704M, V680M.
Identifiers: ClinVar variation 4705796 (VCV004705796.1).